The following is an entry in ClinVar:

NM_001042492.3(NF1):c.2975T>A (p.Met992Lys)

Gene: NF1 (neurofibromin 1; plus strand). Cytogenetic location: 17q11.2.
Variant type: single nucleotide variant.
Coding change: c.2975T>A on transcript NM_001042492.3 (MANE Select); coding-DNA position 2975, T replaced by A.
Protein change: p.Met992Lys; replaces methionine 992 with lysine.
Molecular consequence: missense variant.
Genome position (GRCh38, 1-based): chr17:31,229,959, T>A. VCF-style: chr17-31229959-T-A. GRCh37 (hg19) VCF-style: chr17-29556977-T-A.
Other names: c.2975T>A, p.Met992Lys (NM_000267.4); short protein forms M992K.
Identifiers: ClinVar variation 561505 (VCV000561505.4), dbSNP rs1567849596, ClinGen allele CA398986404.

ClinVar aggregate classification (germline): Conflicting classifications of pathogenicity. Review status: criteria provided, conflicting classifications (1 of 4 stars). 2 submissions from 2 submitters: Likely pathogenic (1); Uncertain significance (1). Last evaluated 2024-02-12.

Conditions:
Neurofibromatosis, type 1 (NF1). Also called: VON RECKLINGHAUSEN DISEASE; NEUROFIBROMATOSIS, TYPE I, SOMATIC; Peripheral type neurofibromatosis; Neurofibromatosis, type I. Identifiers: Orphanet 636, MedGen C0027831, MONDO:0018975, OMIM 162200. Disease mechanism: loss of function.

Submissions (2):

Labcorp Genetics (formerly Invitae), Labcorp
Classification: Uncertain significance for Neurofibromatosis, type 1. Last evaluated: 2024-02-12. Review status: criteria provided, single submitter. Criteria: Invitae Variant Classification Sherloc (09022015). Collection method: clinical testing. Allele origin: germline.
Comment: This sequence change replaces methionine, which is neutral and non-polar, with lysine, which is basic and polar, at codon 992 of the NF1 protein (p.Met992Lys). This variant is not present in population databases (gnomAD no frequency). This missense change has been observed in individual(s) with neurofibromatosis, type 1 (PMID: 24789688). ClinVar contains an entry for this variant (Variation ID: 561505). Advanced modeling of protein sequence and biophysical properties (such as structural, functional, and spatial information, amino acid conservation, physicochemical variation, residue mobility, and thermodynamic stability) performed at Invitae indicates that this missense variant is expected to disrupt NF1 protein function with a positive predictive value of 95%. In summary, the available evidence is currently insufficient to determine the role of this variant in disease. Therefore, it has been classified as a Variant of Uncertain Significance.

GeneDx
Classification: Likely pathogenic. Last evaluated: 2021-01-18. Review status: criteria provided, single submitter. Criteria: GeneDx Variant Classification Process June 2021. Collection method: clinical testing. Allele origin: germline. Affected: yes.
Comment: Not observed in large population cohorts (Lek 2016); In silico analysis supports that this missense variant has a deleterious effect on protein structure/function; This variant is associated with the following publications: (PMID: 24789688)

Literature cited by the submitters: PubMed 24789688 (cited by Labcorp Genetics (formerly Invitae), Labcorp).